The following is an entry in ClinVar:

ClinVar aggregate classification (germline): Conflicting classifications of pathogenicity. Review status: criteria provided, conflicting classifications (1 of 4 stars). 2 submissions from 2 submitters: Likely pathogenic (1); Uncertain significance (1). Last evaluated 2024-04-21.

Conditions:
Eichsfeld type congenital muscular dystrophy (CMYO3). Also called: MYOPATHY, SEPN1-RELATED; Rigid spine muscular dystrophy 1; SELENON-related myopathy; Congenital myopathy 3 with rigid spine. Identifiers: MedGen C0410180, MONDO:0100100, OMIM 602771.

Allele frequency attached by ClinVar (database versions not stated): gnomAD exomes below 0.00001 and 0.00002; ExAC 0.00001.
gnomAD v4.1: 27 of 1,613,336 alleles (0.0017%); highest among the groups gnomAD compares: Non-Finnish European, 0.0023%; no homozygotes.

Submissions (2):

Fulgent Genetics
Classification: Likely pathogenic for Eichsfeld type congenital muscular dystrophy. Last evaluated: 2024-04-21. Review status: criteria provided, single submitter. Criteria: ACMG Guidelines, 2015. Collection method: clinical testing. Allele origin: germline.

Labcorp Genetics (formerly Invitae), Labcorp
Classification: Uncertain significance for Eichsfeld type congenital muscular dystrophy. Last evaluated: 2022-02-03. Review status: criteria provided, single submitter. Criteria: Invitae Variant Classification Sherloc (09022015). Collection method: clinical testing. Allele origin: germline.
Comment: Disruption of this splice site has been observed in individual(s) with gait difficulty, muscle weakness, difficulty walking, Gower sign, paresthesias, and myopathic EMG (Invitae). This sequence change affects a donor splice site in intron 12 of the SELENON gene. While this variant is not anticipated to result in nonsense mediated decay, it likely alters RNA splicing and results in a disrupted protein product. This variant is present in population databases (rs751927853, gnomAD 0.0009%). Variants that disrupt the consensus splice site are a relatively common cause of aberrant splicing (PMID: 17576681, 9536098). Algorithms developed to predict the effect of sequence changes on RNA splicing suggest that this variant may disrupt the consensus splice site. In summary, the available evidence is currently insufficient to determine the role of this variant in disease. Therefore, it has been classified as a Variant of Uncertain Significance. ClinVar contains an entry for this variant (Variation ID: 938435).

Literature cited by the submitters: PubMed 17576681 (cited by Labcorp Genetics (formerly Invitae), Labcorp); PubMed 9536098 (cited by Labcorp Genetics (formerly Invitae), Labcorp).

NM_206926.2(SELENON):c.1500+1G>A

Gene: SELENON (selenoprotein N; plus strand). Cytogenetic location: 1p36.11.
Variant type: single nucleotide variant.
Coding change: c.1500+1G>A on transcript NM_206926.2 (MANE Select); the canonical splice donor site of the intron after coding-DNA position 1500, G replaced by A.
Molecular consequence: splice donor variant.
Genome position (GRCh38, 1-based): chr1:25,814,179, G>A. VCF-style: chr1-25814179-G-A. GRCh37 (hg19) VCF-style: chr1-26140670-G-A.
Other names: c.1602+1G>A (NM_020451.3).
Identifiers: ClinVar variation 938435 (VCV000938435.11), dbSNP rs751927853, ClinGen allele CA696927.